The following is an entry in ClinVar:

NM_006648.4(WNK2):c.2358G>T (p.Gln786His)

Gene: WNK2 (WNK lysine deficient protein kinase 2; plus strand). Cytogenetic location: 9q22.31.
Variant type: single nucleotide variant.
Coding change: c.2358G>T on transcript NM_006648.4 (MANE Select); coding-DNA position 2358, G replaced by T.
Protein change: p.Gln786His; replaces glutamine 786 with histidine.
Molecular consequence: missense variant.
Genome position (GRCh38, 1-based): chr9:93,257,115, G>T. VCF-style: chr9-93257115-G-T. GRCh37 (hg19) VCF-style: chr9-96019397-G-T.
Other names: c.2358G>T, p.Gln786His (NM_001282394.3); short protein forms Q786H.
Identifiers: ClinVar variation 4842115 (VCV004842115.1).

ClinVar aggregate classification (germline): Uncertain significance (1 of 4 stars; one submission).

Submission:

Ambry Genetics
Classification: Uncertain significance. Last evaluated: 2025-12-29. Review status: criteria provided, single submitter. Criteria: Ambry Variant Classification Scheme 2023. Collection method: clinical testing. Allele origin: germline.
Comment: The p.Q786H variant (also known as c.2358G>T), located in coding exon 10 of the WNK2 gene, results from a G to T substitution at nucleotide position 2358. The glutamine at codon 786 is replaced by histidine, an amino acid with highly similar properties. This amino acid position is conserved. In addition, this alteration is predicted to be tolerated by in silico analysis. Based on the available evidence, the clinical significance of this variant remains unclear.